The following is an entry in ClinVar:

NM_000535.7(PMS2):c.580A>G (p.Ile194Val)

Gene: PMS2 (PMS1 homolog 2, mismatch repair system component; minus strand). Cytogenetic location: 7p22.1.
Variant type: single nucleotide variant.
Coding change: c.580A>G on transcript NM_000535.7 (MANE Select); coding-DNA position 580, A replaced by G.
Protein change: p.Ile194Val; replaces isoleucine 194 with valine.
Molecular consequence: missense variant. On other transcripts: non-coding transcript variant (1), intron variant (3).
Genome position (GRCh38, 1-based): chr7:5,999,233, T>C on the plus strand (A>G on the coding strand, the complement: PMS2 is on the minus strand). VCF-style: chr7-5999233-T-C. GRCh37 (hg19) VCF-style: chr7-6038864-T-C.
Other names: c.175A>G, p.Ile59Val (NM_001322003.2, NM_001322004.2, NM_001322005.2 and 2 more transcripts); c.580A>G, p.Ile194Val (NM_001322006.2, NM_001322014.2); c.262A>G, p.Ile88Val (NM_001322007.2, NM_001322008.2); c.271A>G, p.Ile91Val (NM_001322015.2); c.133-1810A>G (NM_001322013.2); c.-347-7A>G (NM_001322012.2, NM_001322011.2); short protein forms I194V, I88V, I59V, I91V.
Identifiers: ClinVar variation 484266 (VCV000484266.24), dbSNP rs1554302492, ClinGen allele CA366744047.

ClinVar aggregate classification (germline): Uncertain significance. Review status: criteria provided, multiple submitters, no conflicts (2 of 4 stars). 5 submissions from 5 submitters: Uncertain significance (5). Last evaluated 2025-11-02.

Conditions:
Hereditary nonpolyposis colorectal neoplasms. Identifiers: MedGen C0009405, MeSH D003123.
Hereditary cancer-predisposing syndrome. Also called: Neoplastic Syndromes, Hereditary; Tumor predisposition; Hereditary Cancer Syndrome; Hereditary neoplastic syndrome. Identifiers: Orphanet 140162, MedGen C0027672, MeSH D009386, MONDO:0015356.
Lynch syndrome. Identifiers: Orphanet 144, MedGen C4552100, MONDO:0005835. Disease mechanism: loss of function.
Lynch syndrome 4 (LYNCH4). Also called: Colorectal cancer, hereditary nonpolyposis, type 4; Hereditary non-polyposis colorectal cancer, type 4. Identifiers: Orphanet 144, MedGen C1838333, MONDO:0013699, OMIM 614337. Disease mechanism: loss of function.

Allele frequency attached by ClinVar (database versions not stated): gnomAD exomes below 0.00001.
gnomAD v4.1: 2 of 1,614,066 alleles (0.00012%); highest among the groups gnomAD compares: Non-Finnish European, 0.00017%; no homozygotes.

Submissions (5):

Labcorp Genetics (formerly Invitae), Labcorp
Classification: Uncertain significance for Hereditary nonpolyposis colorectal neoplasms. Last evaluated: 2025-11-02. Review status: criteria provided, single submitter. Criteria: Invitae Variant Classification Sherloc (09022015). Collection method: clinical testing. Allele origin: germline.
Comment: This sequence change replaces isoleucine, which is neutral and non-polar, with valine, which is neutral and non-polar, at codon 194 of the PMS2 protein (p.Ile194Val). This variant is not present in population databases (gnomAD no frequency). This variant has not been reported in the literature in individuals affected with PMS2-related conditions. ClinVar contains an entry for this variant (Variation ID: 484266). Invitae Evidence Modeling incorporating data from in vitro experimental studies (internal data) indicates that this missense variant is not expected to disrupt PMS2 function with a negative predictive value of 95%. In summary, the available evidence is currently insufficient to determine the role of this variant in disease. Therefore, it has been classified as a Variant of Uncertain Significance.

Ambry Genetics
Classification: Uncertain significance for Hereditary cancer-predisposing syndrome. Last evaluated: 2025-09-11. Review status: criteria provided, single submitter. Criteria: Ambry Variant Classification Scheme 2023. Collection method: clinical testing. Allele origin: germline.
Comment: The p.I194V variant (also known as c.580A>G), located in coding exon 6 of the PMS2 gene, results from an A to G substitution at nucleotide position 580. The isoleucine at codon 194 is replaced by valine, an amino acid with highly similar properties. This amino acid position is well conserved in available vertebrate species. In addition, the in silico prediction for this alteration is inconclusive. Since supporting evidence is limited at this time, the clinical significance of this variant remains unclear.

Baylor Genetics
Classification: Uncertain significance for Lynch syndrome 4. Last evaluated: 2024-01-11. Review status: criteria provided, single submitter. Criteria: ACMG Guidelines, 2015. Collection method: clinical testing. Allele origin: unknown.

Color Diagnostics, LLC DBA Color Health
Classification: Uncertain significance for Hereditary cancer-predisposing syndrome. Last evaluated: 2023-12-05. Review status: criteria provided, single submitter. Criteria: ACMG Guidelines, 2015. Collection method: clinical testing. Allele origin: germline.
Comment: This missense variant replaces isoleucine with valine at codon 194 of the PMS2 protein. Computational prediction suggests that this variant may not impact protein structure and function (internally defined REVEL score threshold <= 0.5, PMID: 27666373). To our knowledge, functional studies have not been reported for this variant. This variant has not been reported in individuals affected with PMS2-related disorders in the literature. This variant has not been identified in the general population by the Genome Aggregation Database (gnomAD). The available evidence is insufficient to determine the role of this variant in disease conclusively. Therefore, this variant is classified as a Variant of Uncertain Significance.

All of Us Research Program, National Institutes of Health
Classification: Uncertain significance for Lynch syndrome. Last evaluated: 2023-04-27. Review status: criteria provided, single submitter. Criteria: ACMG Guidelines, 2015. Collection method: clinical testing. Allele origin: germline. Inheritance: Autosomal dominant inheritance. Observed: 1 variant allele, 1 heterozygote.
Comment: This study involves interpretation of variants in research participants for the purpose of population health screening. Participant phenotype was not available at the time of variant classification. Additional details can be found in publication PMID: 35346344, PMCID: PMC8962531